The following is an entry in ClinVar:

ClinVar aggregate classification (germline): Likely benign. Review status: criteria provided, multiple submitters, no conflicts (2 of 4 stars). 6 submissions from 6 submitters: Likely benign (6). Last evaluated 2026-01-14.

Conditions:
Cardiovascular phenotype. Identifiers: MedGen CN230736.
Naxos disease (NXD). Also called: KERATOSIS PALMOPLANTARIS WITH ARRHYTHMOGENIC CARDIOMYOPATHY; MAL DE NAXOS; PALMOPLANTAR KERATODERMA WITH ARRHYTHMOGENIC RIGHT VENTRICULAR CARDIOMYOPATHY AND WOOLLY HAIR; WOOLLY HAIR, PALMOPLANTAR KERATODERMA, AND CARDIAC ABNORMALITIES; CARDIOMYOPATHY, ARRHYTHMOGENIC RIGHT VENTRICULAR, WITH SKIN, HAIR, AND NAIL ABNORMALITIES. Identifiers: Orphanet 34217, MedGen C1832600, MONDO:0011017, OMIM 601214.
Arrhythmogenic right ventricular dysplasia 12. Also called: ARRHYTHMOGENIC RIGHT VENTRICULAR DYSPLASIA, FAMILIAL, 12. Identifiers: MedGen C1969081, MONDO:0012684, OMIM 611528.
Cardiomyopathy (CMYO). Also called: Cardiomyopathies. Identifiers: Orphanet 167848, MedGen C0878544, MONDO:0004994, HP:0001638. Inheritance: Various modes of inheritance.

Allele frequency attached by ClinVar (database versions not stated): gnomAD 0.00001; gnomAD exomes 0.00002 and 0.00011; TOPMed 0.00002.
gnomAD v4.1: 159 of 1,610,710 alleles (0.0099%); highest among the groups gnomAD compares: Non-Finnish European, 0.013%; no homozygotes.

Submissions (6):

Labcorp Genetics (formerly Invitae), Labcorp
Classification: Likely benign for Arrhythmogenic right ventricular dysplasia 12; Naxos disease. Last evaluated: 2026-01-14. Review status: criteria provided, single submitter. Criteria: Invitae Variant Classification Sherloc (09022015). Collection method: clinical testing. Allele origin: germline.

Blueprint Genetics
Classification: Likely benign. Last evaluated: 2024-04-10. Review status: criteria provided, single submitter. Criteria: ACMG Guidelines, 2015. Collection method: clinical testing. Allele origin: germline.

Ambry Genetics
Classification: Likely benign for Cardiovascular phenotype. Last evaluated: 2024-01-16. Review status: criteria provided, single submitter. Criteria: Ambry Variant Classification Scheme 2023. Collection method: clinical testing. Allele origin: germline.

Women's Health and Genetics/Laboratory Corporation of America, LabCorp
Classification: Likely benign. Last evaluated: 2022-04-25. Review status: criteria provided, single submitter. Criteria: LabCorp Variant Classification Summary - May 2015. Collection method: clinical testing. Allele origin: germline.
Comment: Variant summary: JUP c.1551G>A alters a conserved nucleotide resulting in a synonymous change. The variant allele was found at a frequency of 1.6e-05 in 245748 control chromosomes. The available data on variant occurrences in the general population are insufficient to allow any conclusion about variant significance. To our knowledge, no occurrence of c.1551G>A in individuals affected with Arrhythmogenic Right Ventricular Dysplasia/Cardiomyopathy and no experimental evidence demonstrating its impact on protein function have been reported. Two clinical diagnostic laboratories have submitted clinical-significance assessments for this variant to ClinVar after 2014 without evidence for independent evaluation. Both laboratories classified the variant as likely benign. Based on the evidence outlined above, the variant was classified as likely benign.

CHEO Genetics Diagnostic Laboratory, Children's Hospital of Eastern Ontario
Classification: Likely benign for Cardiomyopathy. Last evaluated: 2022-03-16. Review status: criteria provided, single submitter. Criteria: ACMG Guidelines, 2015. Collection method: clinical testing. Allele origin: germline.

GeneDx
Classification: Likely benign. Last evaluated: 2019-03-07. Review status: criteria provided, single submitter. Criteria: GeneDx Variant Classification Process June 2021. Collection method: clinical testing. Allele origin: germline. Affected: yes.

NM_002230.4(JUP):c.1551G>A (p.Pro517=)

Gene: JUP (junction plakoglobin; minus strand). Cytogenetic location: 17q21.2.
Variant type: single nucleotide variant.
Coding change: c.1551G>A on transcript NM_002230.4 (MANE Select); coding-DNA position 1551, G replaced by A.
Protein change: p.Pro517=; no amino-acid change (proline 517 retained).
Molecular consequence: synonymous variant.
Genome position (GRCh38, 1-based): chr17:41,758,817, C>T on the plus strand (G>A on the coding strand, the complement: JUP is on the minus strand). VCF-style: chr17-41758817-C-T. GRCh37 (hg19) VCF-style: chr17-39915069-C-T.
Other names: c.1551G>A, p.Pro517= (NM_001352773.2, NM_001352774.2, NM_001352775.2 and 3 more transcripts).
Identifiers: ClinVar variation 1291182 (VCV001291182.14), dbSNP rs988891105, ClinGen allele CA290696284.